The following is an entry in ClinVar:

ClinVar aggregate classification (germline): Conflicting classifications of pathogenicity. Review status: criteria provided, conflicting classifications (1 of 4 stars). 2 submissions from 2 submitters: Uncertain significance (1); Likely benign (1). Last evaluated 2026-01-08.

Conditions:
Hereditary cancer-predisposing syndrome. Also called: Neoplastic Syndromes, Hereditary; Tumor predisposition; Hereditary Cancer Syndrome; Hereditary neoplastic syndrome. Identifiers: Orphanet 140162, MedGen C0027672, MeSH D009386, MONDO:0015356.

Allele frequency attached by ClinVar (database versions not stated): gnomAD exomes below 0.00001.
gnomAD v4.1: 1 of 1,614,154 alleles (0.000062%); highest among the groups gnomAD compares: Non-Finnish European, 0.000085%; no homozygotes.

Submissions (2):

Labcorp Genetics (formerly Invitae), Labcorp
Classification: Uncertain significance. Last evaluated: 2026-01-08. Review status: criteria provided, single submitter. Criteria: Invitae Variant Classification Sherloc (09022015). Collection method: clinical testing. Allele origin: germline.
Comment: This sequence change replaces lysine, which is basic and polar, with glutamic acid, which is acidic and polar, at codon 587 of the POLE protein (p.Lys587Glu). This variant is not present in population databases (gnomAD no frequency). This variant has not been reported in the literature in individuals affected with POLE-related conditions. ClinVar contains an entry for this variant (Variation ID: 648049). Invitae Evidence Modeling of protein sequence and biophysical properties (such as structural, functional, and spatial information, amino acid conservation, physicochemical variation, residue mobility, and thermodynamic stability) indicates that this missense variant is not expected to disrupt POLE protein function with a negative predictive value of 80%. In summary, the available evidence is currently insufficient to determine the role of this variant in disease. Therefore, it has been classified as a Variant of Uncertain Significance.

Ambry Genetics
Classification: Likely benign for Hereditary cancer-predisposing syndrome. Last evaluated: 2024-12-28. Review status: criteria provided, single submitter. Criteria: Ambry Variant Classification Scheme 2023. Collection method: clinical testing. Allele origin: germline.

NM_006231.4(POLE):c.1759A>G (p.Lys587Glu)

Gene: POLE (DNA polymerase epsilon, catalytic subunit; minus strand). Cytogenetic location: 12q24.33.
Variant type: single nucleotide variant.
Coding change: c.1759A>G on transcript NM_006231.4 (MANE Select); coding-DNA position 1759, A replaced by G.
Protein change: p.Lys587Glu; replaces lysine 587 with glutamic acid.
Molecular consequence: missense variant.
Genome position (GRCh38, 1-based): chr12:132,672,250, T>C on the plus strand (A>G on the coding strand, the complement: POLE is on the minus strand). VCF-style: chr12-132672250-T-C. GRCh37 (hg19) VCF-style: chr12-133248836-T-C.
Other names: c.1759A>G (NM_006231.2); short protein forms K587E.
Identifiers: ClinVar variation 648049 (VCV000648049.9), dbSNP rs1060500781, ClinGen allele CA387356279.